The following is an entry in ClinVar:

NM_000051.4(ATM):c.8820C>G (p.Asn2940Lys)

Genes: ATM (ATM serine/threonine kinase; plus strand), C11orf65 (chromosome 11 open reading frame 65; minus strand). Cytogenetic location: 11q22.3.
Variant type: single nucleotide variant.
Coding change: c.8820C>G on transcript NM_000051.4 (MANE Select); coding-DNA position 8820, C replaced by G.
Protein change: p.Asn2940Lys; replaces asparagine 2940 with lysine.
Molecular consequence: missense variant. On other transcripts: intron variant (2).
Genome position (GRCh38, 1-based): chr11:108,354,844, C>G. VCF-style: chr11-108354844-C-G. GRCh37 (hg19) VCF-style: chr11-108225571-C-G.
Other names: c.8820C>G, p.Asn2940Lys (NM_001351834.2); c.640+31076G>C (NM_001330368.2); c.695-19552G>C (NM_001351110.2); short protein forms N2940K.
Identifiers: ClinVar variation 481235 (VCV000481235.52), dbSNP rs775823407, ClinGen allele CA382525871.

ClinVar aggregate classification (germline): Uncertain significance. Review status: criteria provided, multiple submitters, no conflicts (2 of 4 stars). 4 submissions from 4 submitters: Uncertain significance (4). Last evaluated 2025-04-23.

Conditions:
Hereditary cancer-predisposing syndrome. Also called: Neoplastic Syndromes, Hereditary; Hereditary Cancer Syndrome; Tumor predisposition; Hereditary neoplastic syndrome. Identifiers: Orphanet 140162, MedGen C0027672, MeSH D009386, MONDO:0015356.
Ataxia-telangiectasia syndrome (AT). Also called: LOUIS-BAR SYNDROME; Cerebello-oculocutaneous telangiectasia; Immunodeficiency with ataxia telangiectasia; Ataxia-telangiectasia, complementation group D; AT, COMPLEMENTATION GROUP C; Ataxia-telangiectasia, complementation group E. Identifiers: Orphanet 100, MedGen C0004135, MONDO:0008840, OMIM 208900.

gnomAD v4.1: 1 of 1,613,856 alleles (0.000062%); highest among the groups gnomAD compares: Non-Finnish European, 0.000085%; no homozygotes.

Submissions (4):

Labcorp Genetics (formerly Invitae), Labcorp
Classification: Uncertain significance for Ataxia-telangiectasia syndrome. Last evaluated: 2025-04-23. Review status: criteria provided, single submitter. Criteria: Invitae Variant Classification Sherloc (09022015). Collection method: clinical testing. Allele origin: germline.
Comment: This sequence change replaces asparagine, which is neutral and polar, with lysine, which is basic and polar, at codon 2940 of the ATM protein (p.Asn2940Lys). This variant is not present in population databases (gnomAD no frequency). This variant has not been reported in the literature in individuals affected with ATM-related conditions. ClinVar contains an entry for this variant (Variation ID: 481235). Invitae Evidence Modeling of protein sequence and biophysical properties (such as structural, functional, and spatial information, amino acid conservation, physicochemical variation, residue mobility, and thermodynamic stability) indicates that this missense variant is not expected to disrupt ATM protein function with a negative predictive value of 95%. In summary, the available evidence is currently insufficient to determine the role of this variant in disease. Therefore, it has been classified as a Variant of Uncertain Significance.

GeneDx
Classification: Uncertain significance. Last evaluated: 2024-12-30. Review status: criteria provided, single submitter. Criteria: GeneDx Variant Classification Process June 2021. Collection method: clinical testing. Allele origin: germline. Affected: yes.
Comment: Not observed at significant frequency in large population cohorts (gnomAD); In silico analysis indicates that this missense variant does not alter protein structure/function; Has not been previously published as pathogenic or benign to our knowledge; This variant is associated with the following publications: (PMID: 23532176)

Color Diagnostics, LLC DBA Color Health
Classification: Uncertain significance for Hereditary cancer-predisposing syndrome. Last evaluated: 2024-03-06. Review status: criteria provided, single submitter. Criteria: ACMG Guidelines, 2015. Collection method: clinical testing. Allele origin: germline.
Comment: This missense variant replaces asparagine with lysine at codon 2940 of the ATM protein. Computational prediction suggests that this variant may not impact protein structure and function (internally defined REVEL score threshold <= 0.5, PMID: 27666373). To our knowledge, functional studies have not been reported for this variant. This variant has not been reported in individuals affected with hereditary cancer in the literature. This variant has not been identified in the general population by the Genome Aggregation Database (gnomAD). The available evidence is insufficient to determine the role of this variant in disease conclusively. Therefore, this variant is classified as a Variant of Uncertain Significance.

Ambry Genetics
Classification: Uncertain significance for Hereditary cancer-predisposing syndrome. Last evaluated: 2023-06-29. Review status: criteria provided, single submitter. Criteria: Ambry Variant Classification Scheme 2023. Collection method: clinical testing. Allele origin: germline.
Comment: The p.N2940K variant (also known as c.8820C>G), located in coding exon 60 of the ATM gene, results from a C to G substitution at nucleotide position 8820. The asparagine at codon 2940 is replaced by lysine, an amino acid with similar properties. This amino acid position is not well conserved in available vertebrate species. In addition, this alteration is predicted to be tolerated by in silico analysis. Since supporting evidence is limited at this time, the clinical significance of this alteration remains unclear.